The following is an entry in ClinVar:

NM_017947.4(MOCOS):c.2268del (p.Ser757fs)

Gene: MOCOS (molybdenum cofactor sulfurase; plus strand). Cytogenetic location: 18q12.2.
Variant type: Deletion.
Coding change: c.2268del on transcript NM_017947.4 (MANE Select); coding-DNA position 2268, one base deleted (C; older notation c.2268delC).
Protein change: p.Ser757fs; shifts the reading frame from serine 757.
Molecular consequence: frameshift variant.
Genome position (GRCh38, 1-based): chr18:36,257,071, C deleted; the last of 2 consecutive C bases (chr18:36,257,070-36,257,071); deleting either gives the same sequence. VCF-style (leftmost placement, unchanged base first): chr18-36257069-AC-A. GRCh37 (hg19) VCF-style: chr18-33837032-AC-A.
Other names: short protein forms S757fs.
Identifiers: ClinVar variation 2835594 (VCV002835594.3), dbSNP rs2510983262, ClinGen allele CA2576488376.

ClinVar aggregate classification (germline): Pathogenic (1 of 4 stars; one submission).

Conditions:
Xanthinuria type II. Also called: Xanthine dehydrogenase and aldehyde oxidase combined deficiency of; XDH and AOX dual deficiency. Identifiers: Orphanet 3467, Orphanet 93602, MedGen C1863688, MONDO:0011346, OMIM 603592.

Submission:

Labcorp Genetics (formerly Invitae), Labcorp
Classification: Pathogenic for Xanthinuria type II. Last evaluated: 2023-06-15. Review status: criteria provided, single submitter. Criteria: Invitae Variant Classification Sherloc (09022015). Collection method: clinical testing. Allele origin: germline.
Comment: For these reasons, this variant has been classified as Pathogenic. This variant has not been reported in the literature in individuals affected with MOCOS-related conditions. This variant is not present in population databases (gnomAD no frequency). This sequence change creates a premature translational stop signal (p.Ser757Valfs*12) in the MOCOS gene. It is expected to result in an absent or disrupted protein product. Loss-of-function variants in MOCOS are known to be pathogenic (PMID: 11302742, 17368066).

Literature cited by the submitters: PubMed 11302742; PubMed 17368066.